The following is an entry in ClinVar:

ClinVar aggregate classification (germline): Uncertain significance. Review status: criteria provided, single submitter (1 of 4 stars). 3 submissions from 3 submitters: Uncertain significance (1). 2 of the submissions do not count toward it. Last evaluated 2021-08-31.

Allele frequency attached by ClinVar (database versions not stated): TOPMed below 0.00001; gnomAD 0.00002; gnomAD exomes 0.00002; ExAC 0.00003.
gnomAD v4.1: 39 of 1,614,024 alleles (0.0024%); highest among the groups gnomAD compares: East Asian, 0.0045%; no homozygotes.

Submissions (3):

Labcorp Genetics (formerly Invitae), Labcorp
Classification: Uncertain significance. Last evaluated: 2021-08-31. Review status: criteria provided, single submitter. Criteria: Invitae Variant Classification Sherloc (09022015). Collection method: clinical testing. Allele origin: germline.
Comment: This sequence change replaces arginine with glutamine at codon 447 of the MERTK protein (p.Arg447Gln). The arginine residue is weakly conserved and there is a small physicochemical difference between arginine and glutamine. This variant is present in population databases (rs753693755, ExAC 0.01%). This variant has not been reported in the literature in individuals affected with MERTK-related conditions. Algorithms developed to predict the effect of missense changes on protein structure and function output the following: SIFT: "Tolerated"; PolyPhen-2: "Benign"; Align-GVGD: "Class C0". The glutamine amino acid residue is found in multiple mammalian species, which suggests that this missense change does not adversely affect protein function. In summary, the available evidence is currently insufficient to determine the role of this variant in disease. Therefore, it has been classified as a Variant of Uncertain Significance.

Clinical Genetics DNA and cytogenetics Diagnostics Lab, Erasmus MC, Erasmus Medical Center
Classification: Likely benign. Review status: no assertion criteria provided. Collection method: clinical testing. Allele origin: germline. Affected: yes. Study: VKGL Data-share Consensus. Not counted in ClinVar's aggregate classification.

Clinical Genetics, Academic Medical Center
Classification: Benign. Review status: no assertion criteria provided. Collection method: clinical testing. Allele origin: germline. Affected: yes. Study: VKGL Data-share Consensus. Not counted in ClinVar's aggregate classification.

NM_006343.3(MERTK):c.1340G>A (p.Arg447Gln)

Gene: MERTK (MER proto-oncogene, tyrosine kinase; plus strand). Cytogenetic location: 2q13.
Variant type: single nucleotide variant.
Coding change: c.1340G>A on transcript NM_006343.3 (MANE Select); coding-DNA position 1340, G replaced by A.
Protein change: p.Arg447Gln; replaces arginine 447 with glutamine.
Molecular consequence: missense variant.
Genome position (GRCh38, 1-based): chr2:111,994,294, G>A. VCF-style: chr2-111994294-G-A. GRCh37 (hg19) VCF-style: chr2-112751871-G-A.
Other names: short protein forms R447Q.
Identifiers: ClinVar variation 1050926 (VCV001050926.9), dbSNP rs753693755, ClinGen allele CA1831359.
Genomic context (GRCh38, chr2:111,994,294, plus strand): 5'-TTCCTCTCTGTCTCCAGAAAGAGCTCTTGGAGGAAGTTGGCCAGAATGGCAGCCGAGCTC[G>A]GATCTCTGTTCAAGTCCACAATGCTACGTGCACAGTGAGGATTGCAGCCGTCACCAGAGG-3'
Protein context (NP_006334.2, residues 437-457): EEVGQNGSRA[Arg447Gln]ISVQVHNATC